The following is an entry in ClinVar:

ClinVar aggregate classification (germline): Likely benign. Review status: criteria provided, multiple submitters, no conflicts (2 of 4 stars). 5 submissions from 5 submitters: Likely benign (3). 2 of the submissions do not count toward it. Last evaluated 2025-07-30.

Conditions:
FANCC-related disorder. Also called: FANCC-related condition.
Hereditary cancer-predisposing syndrome. Also called: Hereditary neoplastic syndrome; Hereditary Cancer Syndrome; Neoplastic Syndromes, Hereditary; Tumor predisposition. Identifiers: Orphanet 140162, MedGen C0027672, MeSH D009386, MONDO:0015356.
Fanconi anemia (FA). Also called: Fanconi's anemia. Identifiers: Orphanet 84, MedGen C0015625, MeSH D005199, MONDO:0019391.

Allele frequency attached by ClinVar (database versions not stated): gnomAD exomes 0.00001 and 0.00002; TOPMed 0.00001; ExAC 0.00005.
gnomAD v4.1: 15 of 1,611,044 alleles (0.00093%); highest among the groups gnomAD compares: Admixed American, 0.0017%; no homozygotes.

Submissions (5):

Labcorp Genetics (formerly Invitae), Labcorp
Classification: Likely benign for Fanconi anemia. Last evaluated: 2025-07-30. Review status: criteria provided, single submitter. Criteria: Invitae Variant Classification Sherloc (09022015). Collection method: clinical testing. Allele origin: germline.

GeneDx
Classification: Likely benign. Last evaluated: 2018-07-12. Review status: criteria provided, single submitter. Criteria: GeneDx Variant Classification Process June 2021. Collection method: clinical testing. Allele origin: germline. Affected: yes.

Ambry Genetics
Classification: Likely benign for Hereditary cancer-predisposing syndrome. Last evaluated: 2016-10-05. Review status: criteria provided, single submitter. Criteria: Ambry Variant Classification Scheme 2023. Collection method: clinical testing. Allele origin: germline.

PreventionGenetics, part of Exact Sciences
Classification: Likely benign for FANCC-related condition. Last evaluated: 2022-05-11. Review status: no assertion criteria provided. Collection method: clinical testing. Allele origin: germline. Not counted in ClinVar's aggregate classification.
Comment: This variant is classified as likely benign based on ACMG/AMP sequence variant interpretation guidelines (Richards et al. 2015 PMID: 25741868, with internal and published modifications).

Natera, Inc.
Classification: Likely benign for Fanconi anemia. Last evaluated: 2019-02-13. Review status: no assertion criteria provided. Collection method: clinical testing. Allele origin: germline. Not counted in ClinVar's aggregate classification.

NM_000136.3(FANCC):c.654G>A (p.Glu218=)

Genes: FANCC (FA complementation group C; minus strand), AOPEP (aminopeptidase O (putative); plus strand). Cytogenetic location: 9q22.32.
Variant type: single nucleotide variant.
Coding change: c.654G>A on transcript NM_000136.3 (MANE Select); coding-DNA position 654, G replaced by A.
Protein change: p.Glu218=; no amino-acid change (glutamic acid 218 retained).
Molecular consequence: synonymous variant.
Genome position (GRCh38, 1-based): chr9:95,149,955, C>T on the plus strand (G>A on the coding strand, the complement: FANCC is on the minus strand). VCF-style: chr9-95149955-C-T. GRCh37 (hg19) VCF-style: chr9-97912237-C-T.
Other names: c.654G>A, p.Glu218= (NM_001243743.2, NM_001243744.2).
Identifiers: ClinVar variation 237070 (VCV000237070.30), dbSNP rs754705988, ClinGen allele CA5137675.